The following is an entry in ClinVar:

NM_002471.4(MYH6):c.1583C>A (p.Pro528His)

Gene: MYH6 (myosin heavy chain 6; minus strand). Cytogenetic location: 14q11.2.
Variant type: single nucleotide variant.
Coding change: c.1583C>A on transcript NM_002471.4 (MANE Select); coding-DNA position 1583, C replaced by A.
Protein change: p.Pro528His; replaces proline 528 with histidine.
Molecular consequence: missense variant.
Genome position (GRCh38, 1-based): chr14:23,399,036, G>T on the plus strand (C>A on the coding strand, the complement: MYH6 is on the minus strand). VCF-style: chr14-23399036-G-T. GRCh37 (hg19) VCF-style: chr14-23868245-G-T.
Other names: short protein forms P528H.
Identifiers: ClinVar variation 3876470 (VCV003876470.1).

ClinVar aggregate classification (germline): Uncertain significance (1 of 4 stars; one submission).

Conditions:
Cardiovascular phenotype. Identifiers: MedGen CN230736.

Submission:

Ambry Genetics
Classification: Uncertain significance for Cardiovascular phenotype. Last evaluated: 2025-03-04. Review status: criteria provided, single submitter. Criteria: Ambry Variant Classification Scheme 2023. Collection method: clinical testing. Allele origin: germline.
Comment: The p.P528H variant (also known as c.1583C>A), located in coding exon 13 of the MYH6 gene, results from a C to A substitution at nucleotide position 1583. The proline at codon 528 is replaced by histidine, an amino acid with similar properties. This amino acid position is conserved. In addition, this alteration is predicted to be deleterious by in silico analysis. Based on the available evidence, the clinical significance of this variant remains unclear.